The following is an entry in ClinVar:

NM_015268.4(DNAJC13):c.3248G>C (p.Cys1083Ser)

Gene: DNAJC13 (DnaJ heat shock protein family (Hsp40) member C13; plus strand). Cytogenetic location: 3q22.1.
Variant type: single nucleotide variant.
Coding change: c.3248G>C on transcript NM_015268.4 (MANE Select); coding-DNA position 3248, G replaced by C.
Protein change: p.Cys1083Ser; replaces cysteine 1083 with serine.
Molecular consequence: missense variant.
Genome position (GRCh38, 1-based): chr3:132,484,653, G>C. VCF-style: chr3-132484653-G-C. GRCh37 (hg19) VCF-style: chr3-132203497-G-C.
Other names: c.3263G>C, p.Cys1088Ser (NM_001329126.2); short protein forms C1083S, C1088S.
Identifiers: ClinVar variation 3346989 (VCV003346989.1).

ClinVar aggregate classification (germline): Uncertain significance (0 of 4 stars; one submission).

Conditions:
DNAJC13-related disorder. Also called: DNAJC13-related condition.

Submission:

PreventionGenetics, part of Exact Sciences
Classification: Uncertain significance for DNAJC13-related condition. Last evaluated: 2024-08-21. Review status: no assertion criteria provided. Collection method: clinical testing. Allele origin: germline.
Comment: The DNAJC13 c.3248G>C variant is predicted to result in the amino acid substitution p.Cys1083Ser. To our knowledge, this variant has not been reported in the literature. This variant is reported in 0.00088% of alleles in individuals of European (Non-Finnish) descent in gnomAD. At this time, the clinical significance of this variant is uncertain due to the absence of conclusive functional and genetic evidence.